The following is an entry in ClinVar:

ClinVar aggregate classification (germline): Uncertain significance. Review status: criteria provided, multiple submitters, no conflicts (2 of 4 stars). 2 submissions from 2 submitters: Uncertain significance (2). Last evaluated 2026-06-08.

Conditions:
Pontocerebellar hypoplasia type 2E. Identifiers: Orphanet 247198, MedGen C4014488, MONDO:0014370, OMIM 615851.

Allele frequency attached by ClinVar (database versions not stated): gnomAD exomes 0.00001; ExAC 0.00001; gnomAD 0.00001.

Submissions (2):

Myriad Genetics, Inc.
Classification: Uncertain significance for Pontocerebellar hypoplasia type 2E. Last evaluated: 2026-06-08. Review status: criteria provided, single submitter. Criteria: Myriad Autosomal Dominant, Autosomal Recessive and X-Linked Classification Criteria (2023). Collection method: clinical testing. Allele origin: unknown.
Comment: NM_001128159.2(VPS53):c.1A>G(M1?) is an initiation codon variant classified as a variant of uncertain significance in the context of pontocerebellar hypoplasia, VPS53-related. M1? has not been observed in cases with relevant disease. Relevant functional assessments of this variant are not available in the literature. M1? has been observed in referenced population frequency databases. In summary, there is insufficient evidence to classify NM_001128159.2(VPS53):c.1A>G(M1?) as pathogenic or benign. Please note: this variant was assessed in the context of healthy population screening.

Women's Health and Genetics/Laboratory Corporation of America, LabCorp
Classification: Uncertain significance. Last evaluated: 2023-07-26. Review status: criteria provided, single submitter. Criteria: LabCorp Variant Classification Summary - May 2015. Collection method: clinical testing. Allele origin: germline.
Comment: Variant summary: VPS53 c.1A>G (p.Met1Val) alters the initiation codon and is predicted to result either in absence of the protein or truncation of the encoded protein due to translation initiation at a downstream codon. The next in-frame start codon is the immediate downstream codon (Met2). One of two in-silico tools predict a benign effect of the variant on protein function. The variant allele was found at a frequency of 2e-05 in 249890 control chromosomes (gnomAD). The available data on variant occurrences in the general population are insufficient to allow any conclusion about variant significance. To our knowledge, no occurrence of c.1A>G in individuals affected with Pontocerebellar Hypoplasia, Type 2E and no experimental evidence demonstrating its impact on protein function have been reported. No submitters have cited clinical-significance assessments for this variant to ClinVar after 2014. Based on the evidence outlined above, the variant was classified as uncertain significance.

NM_001128159.3(VPS53):c.1A>G (p.Met1Val)

Gene: VPS53 (VPS53 subunit of GARP complex; minus strand). Cytogenetic location: 17p13.3.
Variant type: single nucleotide variant.
Coding change: c.1A>G on transcript NM_001128159.3 (MANE Select); coding-DNA position 1, A replaced by G.
Protein change: p.Met1Val; changes the start codon (methionine 1).
Molecular consequence: missense variant, initiator codon variant. On other transcripts: 5 prime UTR variant (1).
Genome position (GRCh38, 1-based): chr17:714,709, T>C on the plus strand (A>G on the coding strand, the complement: VPS53 is on the minus strand). VCF-style: chr17-714709-T-C. GRCh37 (hg19) VCF-style: chr17-617949-T-C.
Other names: c.1A>G, p.Met1Val (NM_001366253.2, NM_018289.4); c.-692A>G (NM_001366254.2); short protein forms M1V.
Identifiers: ClinVar variation 2577342 (VCV002577342.3), dbSNP rs760031973, ClinGen allele CA8261928.